The following is an entry in ClinVar:

ClinVar aggregate classification (germline): Uncertain significance (1 of 4 stars; one submission).

Conditions:
Developmental and epileptic encephalopathy, 8 (DEE8). Also called: HYPEREKPLEXIA AND EPILEPSY. Identifiers: Orphanet 163985, Orphanet 2076, MedGen C1845102, MONDO:0010375, OMIM 300607.

Submission:

Labcorp Genetics (formerly Invitae), Labcorp
Classification: Uncertain significance for Developmental and epileptic encephalopathy, 8. Last evaluated: 2023-11-12. Review status: criteria provided, single submitter. Criteria: Invitae Variant Classification Sherloc (09022015). Collection method: clinical testing. Allele origin: germline.
Comment: This sequence change replaces aspartic acid, which is acidic and polar, with histidine, which is basic and polar, at codon 314 of the ARHGEF9 protein (p.Asp314His). This variant is not present in population databases (gnomAD no frequency). This variant has not been reported in the literature in individuals affected with ARHGEF9-related conditions. Advanced modeling of protein sequence and biophysical properties (such as structural, functional, and spatial information, amino acid conservation, physicochemical variation, residue mobility, and thermodynamic stability) has been performed at Invitae for this missense variant, however the output from this modeling did not meet the statistical confidence thresholds required to predict the impact of this variant on ARHGEF9 protein function. In summary, the available evidence is currently insufficient to determine the role of this variant in disease. Therefore, it has been classified as a Variant of Uncertain Significance.

NM_001353921.2(ARHGEF9):c.961G>C (p.Asp321His)

Gene: ARHGEF9 (Cdc42 guanine nucleotide exchange factor 9; minus strand). Cytogenetic location: Xq11.1.
Variant type: single nucleotide variant.
Coding change: c.961G>C on transcript NM_001353921.2 (MANE Select); coding-DNA position 961, G replaced by C.
Protein change: p.Asp321His; replaces aspartic acid 321 with histidine.
Molecular consequence: missense variant. On other transcripts: intron variant (5).
Genome position (GRCh38, 1-based): chrX:63,666,002, C>G on the plus strand (G>C on the coding strand, the complement: ARHGEF9 is on the minus strand). VCF-style: chrX-63666002-C-G. GRCh37 (hg19) VCF-style: chrX-62885882-C-G.
Other names: c.781G>C, p.Asp261His (NM_001173479.2); c.634G>C, p.Asp212His (NM_001173480.2, NM_001369042.1); c.877G>C, p.Asp293His (NM_001330495.2, NM_001369033.1, NM_001369034.1 and 6 more transcripts); c.979G>C, p.Asp327His (NM_001353923.1); c.760G>C, p.Asp254His (NM_001353924.2, NM_001353926.2, NM_001369039.1 and 1 more transcripts); c.940G>C, p.Asp314His (NM_001369030.1, NM_001369031.1, NM_001369032.1 and 1 more transcripts); c.945+8036G>C (NM_001353922.2); c.861+8036G>C (NM_001369041.1, NM_001353927.2); and 2 more; short protein forms D293H, D261H, D321H, D314H, D212H, D254H, D327H.
Identifiers: ClinVar variation 2968217 (VCV002968217.3), dbSNP rs2519682252, ClinGen allele CA413405748.
Genomic context (GRCh38, chrX:63,666,002, plus strand): 5'-GGCCGTAGGGCTGGTAGATCCAGGCCATCTCCCCAGTGTAGATCAGCTCCGAGCTCCTGT[C>G]TAGGATGTCCTCGCCCTGGGAAGGACATGTGATGATGAGAGGCAGCCAGGCAGAAGGATG-3'
Protein context (NP_001340850.1, residues 311-331): VLDWEGEDIL[Asp321His]RSSELIYTGE